The following is an entry in ClinVar:

NM_003280.3(TNNC1):c.473A>G (p.Lys158Arg)

Gene: TNNC1 (troponin C1, slow skeletal and cardiac type; minus strand). Cytogenetic location: 3p21.1.
Variant type: single nucleotide variant.
Coding change: c.473A>G on transcript NM_003280.3 (MANE Select); coding-DNA position 473, A replaced by G.
Protein change: p.Lys158Arg; replaces lysine 158 with arginine.
Molecular consequence: missense variant.
Genome position (GRCh38, 1-based): chr3:52,451,288, T>C on the plus strand (A>G on the coding strand, the complement: TNNC1 is on the minus strand). VCF-style: chr3-52451288-T-C. GRCh37 (hg19) VCF-style: chr3-52485304-T-C.
Other names: short protein forms K158R.
Identifiers: ClinVar variation 1442716 (VCV001442716.6), dbSNP rs1553651622, ClinGen allele CA353164632.

ClinVar aggregate classification (germline): Uncertain significance (1 of 4 stars; one submission).

Conditions:
Dilated cardiomyopathy 1Z (CMD1Z). Identifiers: Orphanet 154, MedGen C2678475, MONDO:0012745, OMIM 611879.
Hypertrophic cardiomyopathy 13. Also called: TNNC1-Related Familial Hypertrophic Cardiomyopathy. Identifiers: MedGen C2750472, MONDO:0013195, OMIM 613243.

Submission:

Labcorp Genetics (formerly Invitae), Labcorp
Classification: Uncertain significance for Hypertrophic cardiomyopathy 13; Dilated cardiomyopathy 1Z. Last evaluated: 2026-01-05. Review status: criteria provided, single submitter. Criteria: Invitae Variant Classification Sherloc (09022015). Collection method: clinical testing. Allele origin: germline.
Comment: This sequence change replaces lysine, which is basic and polar, with arginine, which is basic and polar, at codon 158 of the TNNC1 protein (p.Lys158Arg). This variant is not present in population databases (gnomAD no frequency). This variant has not been reported in the literature in individuals affected with TNNC1-related conditions. ClinVar contains an entry for this variant (Variation ID: 1442716). An algorithm developed to predict the effect of missense changes on protein structure and function (PolyPhen-2) suggests that this variant is likely to be tolerated. In summary, the available evidence is currently insufficient to determine the role of this variant in disease. Therefore, it has been classified as a Variant of Uncertain Significance.